The following is an entry in ClinVar:

ClinVar aggregate classification (germline): Pathogenic. Review status: criteria provided, multiple submitters, no conflicts (2 of 4 stars). 2 submissions from 2 submitters: Pathogenic (2). Last evaluated 2025-06-19.

Conditions:
Cerebral cavernous malformation (CCM). Also called: Cavernous Hemangioma of Brain; Cerebral cavernous hemangioma (type); Cerebral cavernous malformations; CAVERNOUS ANGIOMA, FAMILIAL; CAVERNOUS ANGIOMATOUS MALFORMATIONS; CEREBRAL CAPILLARY MALFORMATIONS. Identifiers: Orphanet 221061, MedGen C2919945, MONDO:0000820, OMIM 116860, HP:0033522.

Submissions (2):

Labcorp Genetics (formerly Invitae), Labcorp
Classification: Pathogenic for Cerebral cavernous malformation. Last evaluated: 2025-06-19. Review status: criteria provided, single submitter. Criteria: Invitae Variant Classification Sherloc (09022015). Collection method: clinical testing. Allele origin: germline.
Comment: This sequence change creates a premature translational stop signal (p.Leu436Alafs*4) in the KRIT1 gene. It is expected to result in an absent or disrupted protein product. Loss-of-function variants in KRIT1 are known to be pathogenic (PMID: 10508515, 11222804, 12404106, 24689081). This variant is not present in population databases (gnomAD no frequency). This premature translational stop signal has been observed in individual(s) with cerebral cavernous malformations (PMID: 17562932, 23595507, 24689081). It has also been observed to segregate with disease in related individuals. ClinVar contains an entry for this variant (Variation ID: 590697). For these reasons, this variant has been classified as Pathogenic.

PreventionGenetics, part of Exact Sciences
Classification: Pathogenic. Last evaluated: 2018-06-20. Review status: criteria provided, single submitter. Criteria: ACMG Guidelines, 2015. Collection method: clinical testing. Allele origin: germline.

Literature cited by the submitters: PubMed 10508515 (cited by Labcorp Genetics (formerly Invitae), Labcorp); PubMed 11222804 (cited by Labcorp Genetics (formerly Invitae), Labcorp); PubMed 12404106 (cited by Labcorp Genetics (formerly Invitae), Labcorp); PubMed 24689081 (cited by Labcorp Genetics (formerly Invitae), Labcorp); PubMed 17562932 (cited by Labcorp Genetics (formerly Invitae), Labcorp); PubMed 23595507 (cited by Labcorp Genetics (formerly Invitae), Labcorp).

NM_194454.3(KRIT1):c.1306_1310del (p.Leu436fs)

Gene: KRIT1 (KRIT1 ankyrin repeat containing; minus strand). Cytogenetic location: 7q21.2.
Variant type: Microsatellite.
Coding change: c.1306_1310del on transcript NM_194454.3 (MANE Select); coding-DNA positions 1306 to 1310, 5 bases deleted (TTGAA; older notation c.1306_1310delTTGAA).
Protein change: p.Leu436fs; shifts the reading frame from leucine 436.
Molecular consequence: frameshift variant.
Genome position (GRCh38, 1-based): chr7:92,222,923-92,222,927, TTCAA deleted on the plus strand (TTGAA on the coding strand, the reverse complement: KRIT1 is on the minus strand); deleting any 5 consecutive bases within chr7:92,222,923-92,222,932 gives the same sequence; the c. name uses the placement nearest the transcript's 3' end. VCF-style (leftmost placement, unchanged base first): chr7-92222922-CTTCAA-C. GRCh37 (hg19) VCF-style: chr7-91852236-CTTCAA-C.
Other names: c.1162_1166del, p.Leu388fs (NM_001013406.2, NM_001350669.1, NM_001350670.1); c.592_596del, p.Leu198fs (NM_001350671.1); c.1306_1310del, p.Leu436fs (NM_001350672.1, NM_001350673.1, NM_001350674.1 and 26 more transcripts); c.1306_1310delTTGAA (NM_194456.1); short protein forms L388fs, L198fs, L436fs.
Identifiers: ClinVar variation 590697 (VCV000590697.8), dbSNP rs1563266658, ClinGen allele CA891862689.